The following is an entry in ClinVar:

ClinVar aggregate classification (germline): Uncertain significance (1 of 4 stars; one submission).

Submission:

GeneDx
Classification: Uncertain significance. Last evaluated: 2019-04-01. Review status: criteria provided, single submitter. Criteria: GeneDx Variant Classification Process June 2021. Collection method: clinical testing. Allele origin: germline. Affected: yes.
Comment: Not observed in large population cohorts (Lek et al., 2016); In silico analysis, which includes protein predictors and evolutionary conservation, supports that this variant does not alter protein structure/function; Has not been previously published as pathogenic or benign to our knowledge

NM_004086.3(COCH):c.410C>A (p.Ala137Glu)

Genes: COCH (cochlin; plus strand), LOC100506071 (uncharacterized LOC100506071; minus strand). Cytogenetic location: 14q12.
Variant type: single nucleotide variant.
Coding change: c.410C>A on transcript NM_004086.3 (MANE Select); coding-DNA position 410, C replaced by A.
Protein change: p.Ala137Glu; replaces alanine 137 with glutamic acid.
Molecular consequence: missense variant.
Genome position (GRCh38, 1-based): chr14:30,879,459, C>A. VCF-style: chr14-30879459-C-A. GRCh37 (hg19) VCF-style: chr14-31348665-C-A.
Other names: c.410C>A, p.Ala137Glu (NM_001135058.2); c.605C>A, p.Ala202Glu (NM_001347720.2); short protein forms A137E, A202E.
Identifiers: ClinVar variation 1308478 (VCV001308478.2), dbSNP rs2138846520, ClinGen allele CA389344867.